The following is an entry in ClinVar:

ClinVar aggregate classification (germline): Uncertain significance. Review status: criteria provided, multiple submitters, no conflicts (2 of 4 stars). 2 submissions from 2 submitters: Uncertain significance (2). Last evaluated 2026-10-13.

Conditions:
Inborn genetic diseases. Identifiers: MedGen C0950123, MeSH D030342.

Allele frequency attached by ClinVar (database versions not stated): ExAC 0.00003; ESP Exome Variant Server 0.00008; gnomAD exomes 0.00001; gnomAD 0.00005; TOPMed 0.00009.
gnomAD v4.1: 19 of 1,613,470 alleles (0.0012%); highest among the groups gnomAD compares: African/African-American, 0.008%; no homozygotes.

Submissions (2):

GeneDx
Classification: Uncertain significance. Last evaluated: 2026-10-13. Review status: criteria provided, single submitter. Criteria: GeneDx Variant Classification Process June 2021. Collection method: clinical testing. Allele origin: germline.
Comment: In silico analysis suggests that this missense variant does not alter protein structure/function; Has not been previously published as pathogenic or benign to our knowledge

Ambry Genetics
Classification: Uncertain significance for Inborn genetic diseases. Last evaluated: 2025-04-14. Review status: criteria provided, single submitter. Criteria: Ambry Variant Classification Scheme 2023. Collection method: clinical testing. Allele origin: germline.

NM_001199799.2(ILDR1):c.1478G>A (p.Arg493Gln)

Gene: ILDR1 (immunoglobulin like domain containing receptor 1; minus strand). Cytogenetic location: 3q13.33.
Variant type: single nucleotide variant.
Coding change: c.1478G>A on transcript NM_001199799.2 (MANE Select); coding-DNA position 1478, G replaced by A.
Protein change: p.Arg493Gln; replaces arginine 493 with glutamine.
Molecular consequence: missense variant.
Genome position (GRCh38, 1-based): chr3:121,993,271, C>T on the plus strand (G>A on the coding strand, the complement: ILDR1 is on the minus strand). VCF-style: chr3-121993271-C-T. GRCh37 (hg19) VCF-style: chr3-121712118-C-T.
Other names: c.1211G>A, p.Arg404Gln (NM_001199800.2); c.1346G>A, p.Arg449Gln (NM_175924.4); short protein forms R404Q, R449Q, R493Q.
Identifiers: ClinVar variation 3252408 (VCV003252408.4), dbSNP rs149188951.